The following is an entry in ClinVar:

NM_001113378.2(FANCI):c.1699-11C>T

Gene: FANCI (FA complementation group I; plus strand). Cytogenetic location: 15q26.1.
Variant type: single nucleotide variant.
Coding change: c.1699-11C>T on transcript NM_001113378.2 (MANE Select); 11 bases into the intron before coding-DNA position 1699, C replaced by T.
Molecular consequence: intron variant.
Genome position (GRCh38, 1-based): chr15:89,285,085, C>T. VCF-style: chr15-89285085-C-T. GRCh37 (hg19) VCF-style: chr15-89828316-C-T.
Other names: c.1699-11C>T (NM_018193.3, NM_001376911.1); c.1420-11C>T (NM_001376910.1).
Identifiers: ClinVar variation 1319717 (VCV001319717.11), dbSNP rs753750358, ClinGen allele CA274567106.

ClinVar aggregate classification (germline): Conflicting classifications of pathogenicity. Review status: criteria provided, conflicting classifications (1 of 4 stars). 3 submissions from 3 submitters: Uncertain significance (2); Likely benign (1). Last evaluated 2023-11-21.

Conditions:
Fanconi anemia (FA). Also called: Fanconi's anemia. Identifiers: Orphanet 84, MedGen C0015625, MeSH D005199, MONDO:0019391.

Allele frequency attached by ClinVar (database versions not stated): gnomAD exomes below 0.00001 and 0.00004; TOPMed 0.00002; gnomAD 0.00003.
gnomAD v4.1: 26 of 1,613,862 alleles (0.0016%); highest among the groups gnomAD compares: Non-Finnish European, 0.0021%; no homozygotes.

Submissions (3):

Labcorp Genetics (formerly Invitae), Labcorp
Classification: Likely benign for Fanconi anemia. Last evaluated: 2023-11-21. Review status: criteria provided, single submitter. Criteria: Invitae Variant Classification Sherloc (09022015). Collection method: clinical testing. Allele origin: germline.

Sema4
Classification: Uncertain significance for Fanconi anemia. Last evaluated: 2021-12-02. Review status: criteria provided, single submitter. Criteria: Sema4 Curation Guidelines. Collection method: curation. Allele origin: germline.
Comment: The FANCI c.1699-11C>T variant has not been reported in the literature to our knowledge. It was not observed in the large and broad cohorts of the Genome Aggregation Database (PMID: 32461654), The variant has been reported in ClinVar (Variation ID: 1319717). In silico tools developed to predict the effect of sequence changes on RNA splicing do not suggest negative effect on normal splicing, though these predictions have not been confirmed by functional studies. The evidence is insufficient to meet ACMG/AMP criteria for classifying the variant as benign or pathogenic. Thus, the clinical significance of this variant is currently uncertain.

Institute for Clinical Genetics, University Hospital TU Dresden, University Hospital TU Dresden
Classification: Uncertain significance. Last evaluated: 2021-11-03. Review status: criteria provided, single submitter. Criteria: ACMG Guidelines, 2015. Collection method: clinical testing. Allele origin: germline.